The following is an entry in ClinVar:

ClinVar aggregate classification (germline): Likely benign. Review status: criteria provided, multiple submitters, no conflicts (2 of 4 stars). 3 submissions from 3 submitters: Likely benign (2). 1 of the submissions does not count toward it. Last evaluated 2026-08-01.

Conditions:
PIEZO1-related disorder. Also called: PIEZO1-related condition; PIEZO1-Related Disorders.

Allele frequency attached by ClinVar (database versions not stated): ExAC 0.00006.
gnomAD v4.1: 90 of 1,549,590 alleles (0.0058%); highest among the groups gnomAD compares: Admixed American, 0.078%; no homozygotes.

Submissions (3):

CeGaT Center for Human Genetics Tuebingen
Classification: Likely benign. Last evaluated: 2026-08-01. Review status: criteria provided, single submitter. Criteria: CeGaT Center For Human Genetics Tuebingen Variant Classification Criteria Version 2. Collection method: clinical testing. Allele origin: germline. Affected: yes. Observed: 1 variant allele.
Comment: PIEZO1: BP4, BP7

Labcorp Genetics (formerly Invitae), Labcorp
Classification: Likely benign. Last evaluated: 2025-10-20. Review status: criteria provided, single submitter. Criteria: Invitae Variant Classification Sherloc (09022015). Collection method: clinical testing. Allele origin: germline.

PreventionGenetics, part of Exact Sciences
Classification: Likely benign for PIEZO1-related condition. Last evaluated: 2020-01-14. Review status: no assertion criteria provided. Collection method: clinical testing. Allele origin: germline. Not counted in ClinVar's aggregate classification.
Comment: This variant is classified as likely benign based on ACMG/AMP sequence variant interpretation guidelines (Richards et al. 2015 PMID: 25741868, with internal and published modifications).

NM_001142864.4(PIEZO1):c.3735C>T (p.Thr1245=)

Gene: PIEZO1 (piezo type mechanosensitive ion channel component 1 (Er blood group); minus strand). Cytogenetic location: 16q24.3.
Variant type: single nucleotide variant.
Coding change: c.3735C>T on transcript NM_001142864.4 (MANE Select); coding-DNA position 3735, C replaced by T.
Protein change: p.Thr1245=; no amino-acid change (threonine 1245 retained).
Molecular consequence: synonymous variant.
Genome position (GRCh38, 1-based): chr16:88,726,608, G>A on the plus strand (C>T on the coding strand, the complement: PIEZO1 is on the minus strand). VCF-style: chr16-88726608-G-A. GRCh37 (hg19) VCF-style: chr16-88793016-G-A.
Other names: c.2277C>T, p.Thr759= (NM_014745.1).
Identifiers: ClinVar variation 3050916 (VCV003050916.4), dbSNP rs780986676, ClinGen allele CA8232370.